The following is an entry in ClinVar:

ClinVar aggregate classification (germline): Conflicting classifications of pathogenicity. Review status: criteria provided, conflicting classifications (1 of 4 stars). 4 submissions from 4 submitters: Uncertain significance (2); Likely benign (2). Last evaluated 2026-01-01.

Conditions:
Xeroderma pigmentosum group B. Also called: XP, GROUP B; XPB/CS; XERODERMA PIGMENTOSUM B/COCKAYNE SYNDROME; ERCC3-Related Xeroderma Pigmentosum. Identifiers: MedGen C0268136, MONDO:0012531, OMIM 610651.

Allele frequency attached by ClinVar (database versions not stated): ExAC 0.00002; gnomAD 0.00002; TOPMed 0.00002; gnomAD exomes 0.00001.
gnomAD v4.1: 25 of 1,614,004 alleles (0.0015%); highest among the groups gnomAD compares: Middle Eastern, 0.016%; no homozygotes.

Submissions (4):

CeGaT Center for Human Genetics Tuebingen
Classification: Likely benign. Last evaluated: 2026-01-01. Review status: criteria provided, single submitter. Criteria: CeGaT Center For Human Genetics Tuebingen Variant Classification Criteria Version 2. Collection method: clinical testing. Allele origin: germline. Affected: yes. Observed: 2 variant alleles.
Comment: ERCC3: BP4, BP7

Labcorp Genetics (formerly Invitae), Labcorp
Classification: Likely benign. Last evaluated: 2025-10-08. Review status: criteria provided, single submitter. Criteria: Invitae Variant Classification Sherloc (09022015). Collection method: clinical testing. Allele origin: germline.

Illumina Laboratory Services, Illumina
Classification: Uncertain significance for Xeroderma pigmentosum group B. Last evaluated: 2017-04-27. Review status: criteria provided, single submitter. Criteria: ICSL Variant Classification Criteria 13 December 2019. Collection method: clinical testing. Allele origin: germline.

Breakthrough Genomics
Classification: Uncertain significance. Review status: criteria provided, single submitter. Criteria: ACMG Guidelines, 2015. Collection method: not provided. Allele origin: germline. Inheritance: Autosomal recessive inheritance. Affected: yes.

NM_000122.2(ERCC3):c.1110T>C (p.Ser370=)

Gene: ERCC3 (ERCC excision repair 3, TFIIH core complex helicase subunit; minus strand). Cytogenetic location: 2q14.3.
Variant type: single nucleotide variant.
Coding change: c.1110T>C on transcript NM_000122.2 (MANE Select); coding-DNA position 1110, T replaced by C.
Protein change: p.Ser370=; no amino-acid change (serine 370 retained).
Molecular consequence: synonymous variant.
Genome position (GRCh38, 1-based): chr2:127,286,935, A>G on the plus strand (T>C on the coding strand, the complement: ERCC3 is on the minus strand). VCF-style: chr2-127286935-A-G. GRCh37 (hg19) VCF-style: chr2-128044511-A-G.
Other names: c.918T>C, p.Ser306= (NM_001303416.2, NM_001303418.2).
Identifiers: ClinVar variation 892811 (VCV000892811.15), dbSNP rs774063464, ClinGen allele CA1858353.